The following is an entry in ClinVar:

ClinVar aggregate classification (germline): Uncertain significance (1 of 4 stars; one submission).

Submission:

Labcorp Genetics (formerly Invitae), Labcorp
Classification: Uncertain significance. Last evaluated: 2021-07-24. Review status: criteria provided, single submitter. Criteria: Invitae Variant Classification Sherloc (09022015). Collection method: clinical testing. Allele origin: germline.
Comment: This sequence change replaces glycine with cysteine at codon 2006 of the COL7A1 protein (p.Gly2006Cys). The glycine residue is highly conserved and there is a large physicochemical difference between glycine and cysteine. This variant is not present in population databases (ExAC no frequency). This variant has not been reported in the literature in individuals affected with COL7A1-related conditions. Advanced modeling of protein sequence and biophysical properties (such as structural, functional, and spatial information, amino acid conservation, physicochemical variation, residue mobility, and thermodynamic stability) performed at Invitae indicates that this missense variant is expected to disrupt COL7A1 protein function. This variant disrupts the triple helix domain of COL7A1. Glycine residues within the Gly-Xaa-Yaa repeats of the triple helix domain are required for the structure and stability of fibrillar collagens (PMID: 7695699, 8218237, 19344236), and variants at these glycine residues in COL7A1 are more frequently observed in individuals with disease than in the general population (PMID: 22058051). However, the clinical significance of this observation remains uncertain since only a limited number of affected individuals have been described to date. This variant disrupts the p.Gly2006 amino acid residue in COL7A1. Other variant(s) that disrupt this residue have been observed in individuals with COL7A1-related conditions (PMID: 9668111, 10504458, 14616374), which suggests that this may be a clinically significant amino acid residue. In summary, the available evidence is currently insufficient to determine the role of this variant in disease. Therefore, it has been classified as a Variant of Uncertain Significance.

Literature cited by the submitters: PubMed 7695699; PubMed 8218237; PubMed 19344236; PubMed 22058051; PubMed 9668111; PubMed 10504458; PubMed 14616374.

NM_000094.4(COL7A1):c.6016G>T (p.Gly2006Cys)

Gene: COL7A1 (collagen type VII alpha 1 chain; minus strand). Cytogenetic location: 3p21.31.
Variant type: single nucleotide variant.
Coding change: c.6016G>T on transcript NM_000094.4 (MANE Select); coding-DNA position 6016, G replaced by T.
Protein change: p.Gly2006Cys; replaces glycine 2006 with cysteine.
Molecular consequence: missense variant.
Genome position (GRCh38, 1-based): chr3:48,575,503, C>A on the plus strand (G>T on the coding strand, the complement: COL7A1 is on the minus strand). VCF-style: chr3-48575503-C-A. GRCh37 (hg19) VCF-style: chr3-48612936-C-A.
Other names: short protein forms G2006C.
Identifiers: ClinVar variation 1961559 (VCV001961559.5), dbSNP rs2107675136, ClinGen allele CA352663887.